The following is an entry in ClinVar:

ClinVar aggregate classification (germline): Likely pathogenic. Review status: no assertion criteria provided (0 of 4 stars). 2 submissions from 2 submitters: Likely pathogenic (1). 1 of the submissions does not count toward it. Last evaluated 2020-11-01.

Conditions:
von Willebrand disease type 3 (VWD3). Also called: Type 3 Von Willebrand's disease; Type 3 VWD; Von Willebrand disease, severe form; V WD3; VON WILLEBRAND DISEASE, TYPE III. Identifiers: Orphanet 166096, MedGen C1264041, MONDO:0010191, OMIM 277480.

Allele frequency attached by ClinVar (database versions not stated): gnomAD exomes below 0.00001.

Submissions (2):

Angelo Bianchi Bonomi Hemophilia and Thrombosis Center, Fondazione IRCCS Ca Granda Ospedale Maggiore Policlinico
Classification: Likely pathogenic for von Willebrand disease type 3. Last evaluated: 2020-11-01. Review status: no assertion criteria provided. Collection method: clinical testing. Allele origin: germline. Affected: yes. Study: Type 3 Von Willebrand International Registries Inhibitor Prospective Study (3WINTERS-IPS).
Comment: ClinGen Pathogenicity Calculator

Academic Unit of Haematology, University of Sheffield
No classification provided. Review status: no classification provided. Collection method: not provided. Allele origin: not provided. Not counted in ClinVar's aggregate classification.

NM_000552.5(VWF):c.7730-1G>C

Gene: VWF (von Willebrand factor; minus strand). Cytogenetic location: 12p13.31.
Variant type: single nucleotide variant.
Coding change: c.7730-1G>C on transcript NM_000552.5 (MANE Select); the canonical splice acceptor site of the intron before coding-DNA position 7730, G replaced by C.
Molecular consequence: splice acceptor variant.
Genome position (GRCh38, 1-based): chr12:5,968,168, C>G on the plus strand (G>C on the coding strand, the complement: VWF is on the minus strand). VCF-style: chr12-5968168-C-G. GRCh37 (hg19) VCF-style: chr12-6077334-C-G.
Identifiers: ClinVar variation 100485 (VCV000100485.4), dbSNP rs267607366, ClinGen allele CA228816.